The following is an entry in ClinVar:

NM_016204.4(GDF2):c.134G>A (p.Gly45Glu)

Gene: GDF2 (growth differentiation factor 2; plus strand). Cytogenetic location: 10q11.22.
Variant type: single nucleotide variant.
Coding change: c.134G>A on transcript NM_016204.4 (MANE Select); coding-DNA position 134, G replaced by A.
Protein change: p.Gly45Glu; replaces glycine 45 with glutamic acid.
Molecular consequence: missense variant.
Genome position (GRCh38, 1-based): chr10:47,322,802, G>A. VCF-style: chr10-47322802-G-A. GRCh37 (hg19) VCF-style: chr10-48416560-C-T.
Other names: short protein forms G45E.
Identifiers: ClinVar variation 2085277 (VCV002085277.4), dbSNP rs1182597856, ClinGen allele CA376652169.

ClinVar aggregate classification (germline): Uncertain significance (1 of 4 stars; one submission).

Conditions:
Telangiectasia, hereditary hemorrhagic, type 5 (HHT5). Identifiers: Orphanet 774, MedGen C3809710, MONDO:0014217, OMIM 615506.

Allele frequency attached by ClinVar (database versions not stated): gnomAD 0.00001; gnomAD exomes 0.00001; TOPMed 0.00001.

Submission:

Labcorp Genetics (formerly Invitae), Labcorp
Classification: Uncertain significance for Telangiectasia, hereditary hemorrhagic, type 5. Last evaluated: 2024-03-29. Review status: criteria provided, single submitter. Criteria: Invitae Variant Classification Sherloc (09022015). Collection method: clinical testing. Allele origin: germline.
Comment: This sequence change replaces glycine, which is neutral and non-polar, with glutamic acid, which is acidic and polar, at codon 45 of the GDF2 protein (p.Gly45Glu). This variant is not present in population databases (gnomAD no frequency). This variant has not been reported in the literature in individuals affected with GDF2-related conditions. ClinVar contains an entry for this variant (Variation ID: 2085277). An algorithm developed to predict the effect of missense changes on protein structure and function (PolyPhen-2) suggests that this variant is likely to be tolerated. In summary, the available evidence is currently insufficient to determine the role of this variant in disease. Therefore, it has been classified as a Variant of Uncertain Significance.